The following is an entry in ClinVar:

NM_022098.4(XPNPEP3):c.*3955A>G

Gene: XPNPEP3 (X-prolyl aminopeptidase 3; plus strand). Cytogenetic location: 22q13.2.
Variant type: single nucleotide variant.
Coding change: c.*3955A>G on transcript NM_022098.4 (MANE Select); 3955 bases downstream of the stop codon, A replaced by G.
Molecular consequence: 3 prime UTR variant.
Genome position (GRCh38, 1-based): chr22:40,930,390, A>G. VCF-style: chr22-40930390-A-G. GRCh37 (hg19) VCF-style: chr22-41326394-A-G.
Identifiers: ClinVar variation 341739 (VCV000341739.5), dbSNP rs138848856, ClinGen allele CA10653527.

ClinVar aggregate classification (germline): Benign (1 of 4 stars; one submission).

Conditions:
Nephronophthisis-like nephropathy 1 (NPHPL1). Identifiers: Orphanet 655, MedGen C3150419, MONDO:0013163, OMIM 613159.

Allele frequency attached by ClinVar (database versions not stated): gnomAD 0.00360 and 0.00381; TOPMed 0.00425; 1000 Genomes Project 0.00539; 1000 Genomes Project 30x 0.00625.

Submission:

Illumina Laboratory Services, Illumina
Classification: Benign for Nephronophthisis-like nephropathy 1. Last evaluated: 2018-01-13. Review status: criteria provided, single submitter. Criteria: ICSL Variant Classification Criteria 13 December 2019. Collection method: clinical testing. Allele origin: germline.
Comment: This variant was observed in the ICSL laboratory as part of a predisposition screen in an ostensibly healthy population. It had not been previously curated by ICSL or reported in the Human Gene Mutation Database (HGMD: prior to June 1st, 2018), and was therefore a candidate for classification through an automated scoring system. Utilizing variant allele frequency, disease prevalence and penetrance estimates, and inheritance mode, an automated score was calculated to assess if this variant is too frequent to cause the disease. Based on the score and internal cut-off values, a variant classified as benign is not then subjected to further curation. The score for this variant resulted in a classification of benign for this disease.